The following is an entry in ClinVar:

NM_001353345.2(SETD1B):c.3123G>A (p.Leu1041=)

Gene: SETD1B (SET domain containing 1B, histone lysine methyltransferase; plus strand). Cytogenetic location: 12q24.31.
Variant type: single nucleotide variant.
Coding change: c.3123G>A on transcript NM_001353345.2 (MANE Select); coding-DNA position 3123, G replaced by A.
Protein change: p.Leu1041=; no amino-acid change (leucine 1041 retained).
Molecular consequence: synonymous variant.
Genome position (GRCh38, 1-based): chr12:121,817,515, G>A. VCF-style: chr12-121817515-G-A. GRCh37 (hg19) VCF-style: chr12-122255421-G-A.
Other names: NM_015048.1:c.3123G>A.
Identifiers: ClinVar variation 3057898 (VCV003057898.3), dbSNP rs769880259, ClinGen allele CA6839012.

ClinVar aggregate classification (germline): Likely benign. Review status: criteria provided, single submitter (1 of 4 stars). 2 submissions from 2 submitters: Likely benign (1). 1 of the submissions does not count toward it. Last evaluated 2024-11-01.

Conditions:
SETD1B-related disorder. Also called: SETD1B-related condition.

Allele frequency attached by ClinVar (database versions not stated): gnomAD exomes below 0.00001; TOPMed 0.00002; gnomAD 0.00008; ExAC 0.00010.
gnomAD v4.1: 24 of 1,551,474 alleles (0.0015%); highest among the groups gnomAD compares: Admixed American, 0.024%; no homozygotes.

Submissions (2):

Blueprint Genetics
Classification: Likely benign. Last evaluated: 2024-11-01. Review status: criteria provided, single submitter. Criteria: ACMG Guidelines, 2015. Collection method: clinical testing. Allele origin: germline.

PreventionGenetics, part of Exact Sciences
Classification: Likely benign for SETD1B-related condition. Last evaluated: 2019-03-25. Review status: no assertion criteria provided. Collection method: clinical testing. Allele origin: germline. Not counted in ClinVar's aggregate classification.
Comment: This variant is classified as likely benign based on ACMG/AMP sequence variant interpretation guidelines (Richards et al. 2015 PMID: 25741868, with internal and published modifications).